The following is an entry in ClinVar:

NM_001379110.1(SLC9A6):c.841_842delinsAA (p.Gly281Lys)

Gene: SLC9A6 (solute carrier family 9 member A6; plus strand). Cytogenetic location: Xq26.3.
Variant type: Indel.
Coding change: c.841_842delinsAA on transcript NM_001379110.1 (MANE Select); coding-DNA positions 841 to 842, GG replaced by AA.
Protein change: p.Gly281Lys; replaces glycine 281 with lysine.
Molecular consequence: missense variant.
Genome position (GRCh38, 1-based): chrX:136,010,539-136,010,540, GG replaced by AA. VCF-style: chrX-136010539-GG-AA. GRCh37 (hg19) VCF-style: chrX-135092698-GG-AA.
Other names: c.997_998delinsAA, p.Gly333Lys (NM_001042537.2); c.841_842delinsAA, p.Gly281Lys (NM_001177651.2, NM_001400909.1, NM_001400910.1 and 2 more transcripts); c.745_746delinsAA, p.Gly249Lys (NM_001330652.2, NM_001400913.1); c.901_902delinsAA, p.Gly301Lys (NM_006359.3); short protein forms G249K, G281K, G301K, G333K.
Identifiers: ClinVar variation 3384571 (VCV003384571.1).

ClinVar aggregate classification (germline): Uncertain significance (1 of 4 stars; one submission).

Submission:

GeneDx
Classification: Uncertain significance. Last evaluated: 2024-06-02. Review status: criteria provided, single submitter. Criteria: GeneDx Variant Classification Process June 2021. Collection method: clinical testing. Allele origin: germline. Affected: yes.
Comment: Not observed at significant frequency in large population cohorts (gnomAD); In silico analysis supports a deleterious effect on protein structure/function; Has not been previously published as pathogenic or benign to our knowledge